The following is an entry in ClinVar:

ClinVar aggregate classification (germline): Uncertain significance. Review status: criteria provided, multiple submitters, no conflicts (2 of 4 stars). 3 submissions from 3 submitters: Uncertain significance (3). Last evaluated 2025-06-06.

Conditions:
Inborn genetic diseases. Identifiers: MedGen C0950123, MeSH D030342.
Pontocerebellar hypoplasia type 6 (PCH6). Identifiers: Orphanet 166073, MedGen C1969084, MONDO:0012683, OMIM 611523.

Allele frequency attached by ClinVar (database versions not stated): gnomAD 0.00001; TOPMed 0.00001.
gnomAD v4.1: 6 of 1,612,260 alleles (0.00037%); highest among the groups gnomAD compares: Admixed American, 0.01%; no homozygotes.

Submissions (3):

Ambry Genetics
Classification: Uncertain significance for Inborn genetic diseases. Last evaluated: 2025-06-06. Review status: criteria provided, single submitter. Criteria: Ambry Variant Classification Scheme 2023. Collection method: clinical testing. Allele origin: germline.

Labcorp Genetics (formerly Invitae), Labcorp
Classification: Uncertain significance. Last evaluated: 2023-12-22. Review status: criteria provided, single submitter. Criteria: Invitae Variant Classification Sherloc (09022015). Collection method: clinical testing. Allele origin: germline.
Comment: This sequence change replaces leucine, which is neutral and non-polar, with phenylalanine, which is neutral and non-polar, at codon 301 of the RARS2 protein (p.Leu301Phe). This variant is present in population databases (rs771274749, gnomAD 0.006%). This variant has not been reported in the literature in individuals affected with RARS2-related conditions. ClinVar contains an entry for this variant (Variation ID: 992738). Advanced modeling of protein sequence and biophysical properties (such as structural, functional, and spatial information, amino acid conservation, physicochemical variation, residue mobility, and thermodynamic stability) performed at Invitae indicates that this missense variant is not expected to disrupt RARS2 protein function with a negative predictive value of 80%. In summary, the available evidence is currently insufficient to determine the role of this variant in disease. Therefore, it has been classified as a Variant of Uncertain Significance.

New York Genome Center
Classification: Uncertain significance for Pontocerebellar hypoplasia type 6. Last evaluated: 2021-11-23. Review status: criteria provided, single submitter. Criteria: NYGC Assertion Criteria 2020. Collection method: clinical testing. Allele origin: germline. Observed: 1 heterozygote. Study: CSER-NYCKidSeq.

NM_020320.5(RARS2):c.901C>T (p.Leu301Phe)

Gene: RARS2 (arginyl-tRNA synthetase 2, mitochondrial; minus strand). Cytogenetic location: 6q15.
Variant type: single nucleotide variant.
Coding change: c.901C>T on transcript NM_020320.5 (MANE Select); coding-DNA position 901, C replaced by T.
Protein change: p.Leu301Phe; replaces leucine 301 with phenylalanine.
Molecular consequence: missense variant. On other transcripts: non-coding transcript variant (23).
Genome position (GRCh38, 1-based): chr6:87,524,630, G>A on the plus strand (C>T on the coding strand, the complement: RARS2 is on the minus strand). VCF-style: chr6-87524630-G-A. GRCh37 (hg19) VCF-style: chr6-88234348-G-A.
Other names: c.376C>T, p.Leu126Phe (NM_001318785.2, NM_001350506.2, NM_001350507.2 and 4 more transcripts); c.901C>T, p.Leu301Phe (NM_001350505.2); short protein forms L126F, L301F.
Identifiers: ClinVar variation 992738 (VCV000992738.6), dbSNP rs771274749, ClinGen allele CA3916467.
Genomic context (GRCh38, chr6:87,524,630, plus strand): 5'-GAGAAGTCCCATCACTTCGCATTACAGTACAAATTGAGGAGGGGTCGCCATTCCCAGAGA[G>A]ATCTACTACAGCCGTTCCTTTTCTAGAAATTCGAAAAGGTAACTCTGAAGCAACATAATA-3'
Protein context (NP_064716.2, residues 291-311): KTIKGTAVVD[Leu301Phe]SGNGDPSSIC